The following is an entry in ClinVar:

NM_000038.6(APC):c.391A>G (p.Thr131Ala)

Gene: APC (APC regulator of Wnt signaling pathway; plus strand). Cytogenetic location: 5q22.2.
Variant type: single nucleotide variant.
Coding change: c.391A>G on transcript NM_000038.6 (MANE Select); coding-DNA position 391, A replaced by G.
Protein change: p.Thr131Ala; replaces threonine 131 with alanine.
Molecular consequence: missense variant. On other transcripts: 5 prime UTR variant (1).
Genome position (GRCh38, 1-based): chr5:112,767,359, A>G. VCF-style: chr5-112767359-A-G. GRCh37 (hg19) VCF-style: chr5-112103056-A-G.
Other names: c.421A>G, p.Thr141Ala (NM_001354902.2, NM_001127511.3, NM_001354897.2); c.391A>G, p.Thr131Ala (NM_001354903.2, NM_001127510.3, NM_001354895.2 and 2 more transcripts); c.214A>G, p.Thr72Ala (NM_001354905.2, NM_001354900.2, NM_001354901.2); c.316A>G, p.Thr106Ala (NM_001354904.2, NM_001354898.2); c.-645A>G (NM_001354906.2); short protein forms T72A, T106A, T131A, T141A.
Identifiers: ClinVar variation 824376 (VCV000824376.7), dbSNP rs1580329587, ClinGen allele CA16022173.

ClinVar aggregate classification (germline): Uncertain significance. Review status: criteria provided, multiple submitters, no conflicts (2 of 4 stars). 3 submissions from 3 submitters: Uncertain significance (2). 1 of the submissions does not count toward it. Last evaluated 2023-07-03.

Conditions:
Breast carcinoma. Also called: Carcinoma of breast. Identifiers: MedGen C0678222, MONDO:0004989, HP:0003002.
Hereditary cancer-predisposing syndrome. Also called: Neoplastic Syndromes, Hereditary; Hereditary Cancer Syndrome; Hereditary neoplastic syndrome; Tumor predisposition. Identifiers: Orphanet 140162, MedGen C0027672, MeSH D009386, MONDO:0015356.
Familial adenomatous polyposis 1 (FAP1). Also called: POLYPOSIS, ADENOMATOUS INTESTINAL; FAMILIAL ADENOMATOUS POLYPOSIS 1, ATTENUATED. Identifiers: MedGen C2713442, MONDO:0021056, OMIM 175100. Disease mechanism: loss of function.

gnomAD v4.1: 2 of 1,614,122 alleles (0.00012%); highest among the groups gnomAD compares: Non-Finnish European, 0.00017%; no homozygotes.

Submissions (3):

Baylor Genetics
Classification: Uncertain significance for Familial adenomatous polyposis 1. Last evaluated: 2023-07-03. Review status: criteria provided, single submitter. Criteria: ACMG Guidelines, 2015. Collection method: clinical testing. Allele origin: unknown.

Ambry Genetics
Classification: Uncertain significance for Hereditary cancer-predisposing syndrome. Last evaluated: 2023-03-10. Review status: criteria provided, single submitter. Criteria: Ambry Variant Classification Scheme 2023. Collection method: clinical testing. Allele origin: germline.
Comment: The p.T131A variant (also known as c.391A>G), located in coding exon 3 of the APC gene, results from an A to G substitution at nucleotide position 391. The threonine at codon 131 is replaced by alanine, an amino acid with similar properties. This amino acid position is well conserved in available vertebrate species. In addition, in silico predictors for this gene do not accurately predict pathogenicity. Since supporting evidence is limited at this time, the clinical significance of this alteration remains unclear.

Medical Genetics Laboratory, Umraniye Training and Research Hospital, University of Health Sciences
Classification: Uncertain significance for Breast carcinoma. Last evaluated: 2021-08-20. Review status: no assertion criteria provided. Collection method: clinical testing. Allele origin: germline. Affected: yes. Observed: 1 variant allele, 1 heterozygote. Not counted in ClinVar's aggregate classification.
Comment: Invasive Ductal Carcinoma Estrogen Receptor: Positive Progesterone Receptor: Positive HER2 Receptor: Positive